The following is an entry in ClinVar:

ClinVar aggregate classification (germline): Likely benign (1 of 4 stars; one submission).

gnomAD v4.1: 51 of 1,614,058 alleles (0.0032%); highest among the groups gnomAD compares: Admixed American, 0.085%; no homozygotes.

Submission:

CeGaT Center for Human Genetics Tuebingen
Classification: Likely benign. Last evaluated: 2026-09-01. Review status: criteria provided, single submitter. Criteria: CeGaT Center For Human Genetics Tuebingen Variant Classification Criteria Version 2. Collection method: clinical testing. Allele origin: germline. Affected: yes. Observed: 1 variant allele.
Comment: BAG5: BP4, BP7

NM_001015048.3(BAG5):c.1290T>G (p.Leu430=)

Gene: BAG5 (BAG cochaperone 5; minus strand). Cytogenetic location: 14q32.33.
Variant type: single nucleotide variant.
Coding change: c.1290T>G on transcript NM_001015048.3 (MANE Select); coding-DNA position 1290, T replaced by G.
Protein change: p.Leu430=; no amino-acid change (leucine 430 retained).
Molecular consequence: synonymous variant.
Genome position (GRCh38, 1-based): chr14:103,559,875, A>C on the plus strand (T>G on the coding strand, the complement: BAG5 is on the minus strand). VCF-style: chr14-103559875-A-C. GRCh37 (hg19) VCF-style: chr14-104026212-A-C.
Other names: c.1290T>G, p.Leu430= (NM_001015049.5, NM_004873.4).
Identifiers: ClinVar variation 5040944 (VCV005040944.1).